The following is an entry in ClinVar:

ClinVar aggregate classification (germline): Likely pathogenic (1 of 4 stars; one submission).

Conditions:
Isolated focal cortical dysplasia type IIa. Also called: Focal cortical dysplasia of Taylor type 2A. Identifiers: Orphanet 269001, MedGen C1846386, MONDO:0017101.

Submission:

Human Genome Lab, NIMHANS, National Institute of Mental Health and Neuro Sciences
Classification: Likely pathogenic for Isolated focal cortical dysplasia type IIa. Last evaluated: 2024-11-23. Review status: criteria provided, single submitter. Criteria: ACMG Guidelines, 2015. Collection method: clinical testing. Allele origin: germline. Affected: yes. Observed: 1 variant allele.
Comment: The frameshift deletion NM_001242896.3(DEPDC5):c.4617_4618delCT (p.Phe1539Leufs*27) is not currently classified as pathogenic or benign in clinical sources. The p.Phe1539Leufs*27 variant is novel (not in any individuals) in 1kG All. The p.Phe1539Leufs*27 variant is novel (not in any individuals) in TopMed All. The p.Phe1539Leufs*27 variant is novel (not in any individuals) in gnomAD4-Joint-Variant Frequencies. This variant is predicted to cause loss of normal protein function through protein truncation caused a frameshift mutation. The frame shifted sequence continues 27 residues until a stop codon is reached. There are 8 downstream pathogenic loss of function variants, with the furthest variant being 31 residues downstream of this variant. This indicates that the region is critical to protein function. The p.Phe1539Leufs*27 variant is a loss of function variant in the gene DEPDC5, which is intolerant of Loss of Function variants, as indicated by the presence of existing pathogenic loss of function variant NP_001229825.1:p.M1_D20delinsN and 265 others. For these reasons, this variant has been classified as Likely Pathogenic. (ACMG Criteria PM2 PVS1_Strong)

NM_001242896.3(DEPDC5):c.4617_4618del (p.Phe1539fs)

Gene: DEPDC5 (DEP domain containing 5, GATOR1 subcomplex subunit; plus strand). Cytogenetic location: 22q12.3.
Variant type: Deletion.
Coding change: c.4617_4618del on transcript NM_001242896.3 (MANE Select); coding-DNA positions 4617 to 4618, 2 bases deleted (CT; older notation c.4617_4618delCT).
Protein change: p.Phe1539fs; shifts the reading frame from phenylalanine 1539.
Molecular consequence: frameshift variant. On other transcripts: non-coding transcript variant (5).
Genome position (GRCh38, 1-based): chr22:31,906,302-31,906,303, CT deleted; deleting any 2 consecutive bases within chr22:31,906,301-31,906,303 gives the same sequence; the c. name uses the placement nearest the transcript's 3' end. VCF-style (leftmost placement, unchanged base first): chr22-31906300-TTC-T. GRCh37 (hg19) VCF-style: chr22-32302286-TTC-T.
Other names: c.4590_4591del, p.Phe1530fs (NM_001136029.4); c.4317_4318del, p.Phe1439fs (NM_001242897.2); c.4551_4552del, p.Phe1517fs (NM_001363852.2, NM_001364320.2); c.4383_4384del, p.Phe1461fs (NM_001363854.2, NM_001364319.2); c.4617_4618del, p.Phe1539fs (NM_001364318.2); c.4533_4534del, p.Phe1511fs (NM_001369901.1, NM_001369902.1); c.4524_4525del, p.Phe1508fs (NM_001369903.1, NM_014662.6); c.4617_4618delCT (NM_001242896.3); short protein forms F1439fs, F1461fs, F1508fs, F1511fs, F1517fs, F1530fs, F1539fs.
Identifiers: ClinVar variation 4879367 (VCV004879367.1).